The following is an entry in ClinVar:

ClinVar aggregate classification (germline): Uncertain significance (1 of 4 stars; one submission).

gnomAD v4.1: 10 of 1,493,624 alleles (0.00067%); highest among the groups gnomAD compares: Non-Finnish European, 0.00093%; no homozygotes.

Submission:

Labcorp Genetics (formerly Invitae), Labcorp
Classification: Uncertain significance. Last evaluated: 2022-04-16. Review status: criteria provided, single submitter. Criteria: Invitae Variant Classification Sherloc (09022015). Collection method: clinical testing. Allele origin: germline.
Comment: Algorithms developed to predict the effect of missense changes on protein structure and function are either unavailable or do not agree on the potential impact of this missense change (SIFT: "Not Available"; PolyPhen-2: "Probably Damaging"; Align-GVGD: "Not Available"). This sequence change replaces leucine, which is neutral and non-polar, with phenylalanine, which is neutral and non-polar, at codon 373 of the IFT88 protein (p.Leu373Phe). This variant is not present in population databases (gnomAD no frequency). This variant has not been reported in the literature in individuals affected with IFT88-related conditions. In summary, the available evidence is currently insufficient to determine the role of this variant in disease. Therefore, it has been classified as a Variant of Uncertain Significance.

NM_006531.5(IFT88):c.1090C>T (p.Leu364Phe)

Gene: IFT88 (intraflagellar transport 88; plus strand). Cytogenetic location: 13q12.11.
Variant type: single nucleotide variant.
Coding change: c.1090C>T on transcript NM_006531.5 (MANE Select); coding-DNA position 1090, C replaced by T.
Protein change: p.Leu364Phe; replaces leucine 364 with phenylalanine.
Molecular consequence: missense variant. On other transcripts: non-coding transcript variant (5).
Genome position (GRCh38, 1-based): chr13:20,605,083, C>T. VCF-style: chr13-20605083-C-T. GRCh37 (hg19) VCF-style: chr13-21179222-C-T.
Other names: c.1117C>T, p.Leu373Phe (NM_001353566.2, NM_001353567.2, NM_175605.5 and 2 more transcripts); c.1090C>T, p.Leu364Phe (NM_001353568.2, NM_001353572.2); c.1015C>T, p.Leu339Phe (NM_001353569.2, NM_001353570.2, NM_001353576.2 and 1 more transcripts); c.988C>T, p.Leu330Phe (NM_001353571.2, NM_001353578.2); c.1033C>T, p.Leu345Phe (NM_001353573.2, NM_001353575.2, NM_001318491.2); c.931C>T, p.Leu311Phe (NM_001353574.2); c.457C>T, p.Leu153Phe (NM_001353579.2); short protein forms L330F, L339F, L345F, L153F, L311F, L364F, L373F.
Identifiers: ClinVar variation 2090406 (VCV002090406.4), dbSNP rs772217175, ClinGen allele CA246526270.